The following is an entry in ClinVar:

NM_001009944.3(PKD1):c.6727_6728del (p.Gln2243fs)

Gene: PKD1 (polycystin 1, transient receptor potential channel interacting; minus strand). Cytogenetic location: 16p13.3.
Variant type: Microsatellite.
Coding change: c.6727_6728del on transcript NM_001009944.3 (MANE Select); coding-DNA positions 6727 to 6728, 2 bases deleted (CA; older notation c.6727_6728delCA).
Protein change: p.Gln2243fs; shifts the reading frame from glutamine 2243.
Molecular consequence: frameshift variant.
Genome position (GRCh38, 1-based): chr16:2,108,439-2,108,440, TG deleted on the plus strand (CA on the coding strand, the reverse complement: PKD1 is on the minus strand); deleting any 2 consecutive bases within chr16:2,108,439-2,108,443 gives the same sequence; the c. name uses the placement nearest the transcript's 3' end. VCF-style (leftmost placement, unchanged base first): chr16-2108438-CTG-C. GRCh37 (hg19) VCF-style: chr16-2158439-CTG-C.
Other names: c.6727_6728del, p.Gln2243fs (NM_000296.4); c.6727_6728delCA (NM_001009944.2); short protein forms Q2243fs.
Identifiers: ClinVar variation 586288 (VCV000586288.35), dbSNP rs1567191601, ClinGen allele CA891843797.

ClinVar aggregate classification (germline): Pathogenic. Review status: criteria provided, multiple submitters, no conflicts (2 of 4 stars). 12 submissions from 12 submitters: Pathogenic (12). Last evaluated 2026-01-05.

Conditions:
Polycystic kidney disease, adult type (PKD1). Also called: Polycystic Kidney, Autosomal Dominant; POLYCYSTIC KIDNEY DISEASE 1 WITH OR WITHOUT POLYCYSTIC LIVER DISEASE; Polycystic Kidney Disease 1, Autosomal Dominant; Polycystic kidney disease 1; Polycystic kidney disease 1, severe; POLYCYSTIC KIDNEY DISEASE, ADULT, TYPE I. Identifiers: MedGen C3149841, MONDO:0008263, OMIM 173900.
PKD1-related disorder. Also called: PKD1-related condition.

Submissions (12):

GeneDx
Classification: Pathogenic. Last evaluated: 2026-01-05. Review status: criteria provided, single submitter. Criteria: GeneDx Variant Classification Process June 2021. Collection method: clinical testing. Allele origin: germline.
Comment: Frameshift variant predicted to result in protein truncation or nonsense mediated decay in a gene for which loss-of-function is a known mechanism of disease; Not observed at significant frequency in large population cohorts (gnomAD); This variant is associated with the following publications: (PMID: 11115377, 21551026, 36938073, 33168999, 35177841, 33454723, 32801363, 29529603, 22508176, 39291187)

PreventionGenetics, part of Exact Sciences
Classification: Pathogenic for PKD1-related condition. Last evaluated: 2025-11-05. Review status: criteria provided, single submitter. Criteria: ACMG Guidelines, 2015. Collection method: clinical testing. Allele origin: germline.
Comment: The PKD1 c.6727_6728delCA variant is predicted to result in a frameshift and premature protein termination (p.Gln2243Glufs*18). This variant has been reported in individuals with autosomal dominant polycystic kidney disease (ADPKD) (see for example, Xu et al. 2018. PubMed ID: 29529603; Durkie et al. 2020. PubMed ID: 33168999). This variant has not been reported in a large population database (gnomAD), indicating this variant is rare. Frameshift variants in PKD1 are expected to be pathogenic. This variant is interpreted as pathogenic.

CeGaT Center for Human Genetics Tuebingen
Classification: Pathogenic. Last evaluated: 2025-08-01. Review status: criteria provided, single submitter. Criteria: CeGaT Center For Human Genetics Tuebingen Variant Classification Criteria Version 2. Collection method: clinical testing. Allele origin: germline. Affected: yes. Observed: 5 variant alleles.
Comment: PKD1: PVS1, PM2, PP1:Moderate, PS4:Moderate

Victorian Clinical Genetics Services, Murdoch Childrens Research Institute
Classification: Pathogenic for Polycystic kidney disease, adult type. Last evaluated: 2025-01-20. Review status: criteria provided, single submitter. Criteria: ACMG Guidelines, 2015. Collection method: clinical testing. Allele origin: germline. Affected: yes.
Comment: This variant is classified as Pathogenic. Evidence in support of pathogenic classification: Variant is predicted to cause nonsense-mediated decay (NMD) and loss of protein (premature termination codon is located at least 54 nucleotides upstream of the final exon-exon junction); Variant is present in gnomAD <0.001 for a dominant condition (v4: 2 heterozygote(s), 0 homozygote(s)); This variant has strong previous evidence of pathogenicity in unrelated individuals. This variant has been classified as pathogenic by diagnostic laboratories in ClinVar; Other NMD-predicted variant(s) comparable to the one identified in this case have very strong previous evidence for pathogenicity (ClinVar). Additional information: This variant is heterozygous; This gene is associated with autosomal dominant disease. Polycystic kidney disease 1 (MIM#173900) is predominantly caused by monoallelic variants, with rare reports of biallelic variants causing disease (OMIM); Loss of function is a known mechanism of disease in this gene and is associated with polycystic kidney disease 1 (MIM#173900); Inheritance information for this variant is not currently available in this individual.

Genetics Department, Catlab
Classification: Pathogenic for Polycystic kidney disease, adult type. Last evaluated: 2024-05-08. Review status: criteria provided, single submitter. Criteria: ACMG Guidelines, 2015. Collection method: clinical testing. Allele origin: germline. Affected: yes. Observed: 1 variant allele.
Comment: The c.6727_6728del variant in the PKD1 gene is a loss of function variant predicted to undergo nonsense mediated decay and loss of function variants have been described as a causing mechanism for the gene (PVS1). Moreover, the variant is absent from the gnomAD 4.1 database of common variants (PM2). The variant has been previously found in patients with policystic kidney disease (PMID:29529603, 11115377, 12842373) (PS4_Moderate). With all the available evidence, the variant is classified as pathogenic.

Fulgent Genetics
Classification: Pathogenic for Polycystic kidney disease, adult type. Last evaluated: 2024-01-30. Review status: criteria provided, single submitter. Criteria: ACMG Guidelines, 2015. Collection method: clinical testing. Allele origin: germline.

Blueprint Genetics
Classification: Pathogenic for PKD1-related disorders. Last evaluated: 2023-01-30. Review status: criteria provided, single submitter. Criteria: ACMG Guidelines, 2015. Collection method: clinical testing. Allele origin: germline. Affected: yes. Observed: 5 variant alleles.

MGZ Medical Genetics Center
Classification: Pathogenic for Polycystic kidney disease, adult type. Last evaluated: 2022-03-11. Review status: criteria provided, single submitter. Criteria: ACMG Guidelines, 2015. Collection method: clinical testing. Allele origin: germline. Affected: yes. Observed: 1 variant allele.
Comment: ACMG criteria applied: PVS1, PS4_MOD, PM2_SUP, PP4

Athena Diagnostics
Classification: Pathogenic. Last evaluated: 2021-12-21. Review status: criteria provided, single submitter. Criteria: Athena Diagnostics Criteria. Collection method: clinical testing. Allele origin: unknown.
Comment: This variant is expected to result in the loss of a functional protein. This variant has not been reported in large, multi-ethnic general populations. This variant has been identified in at least one individual with clinical features associated with this gene.

Cavalleri Lab, Royal College of Surgeons in Ireland
Classification: Pathogenic for Polycystic kidney disease, adult type. Last evaluated: 2020-02-05. Review status: criteria provided, single submitter. Criteria: ACMG Guidelines, 2015. Collection method: research. Allele origin: unknown. Inheritance: Autosomal dominant inheritance. Affected: yes.
Comment: PVS1, PM2, PP4, PP5

Department of Pathology and Laboratory Medicine, Sinai Health System
Classification: Pathogenic for Polycystic kidney disease, adult type. Last evaluated: 2019-11-06. Review status: criteria provided, single submitter. Criteria: ACMG Guidelines, 2015. Collection method: clinical testing. Allele origin: germline. Affected: yes.

Juno Genomics, Hangzhou Juno Genomics, Inc
Classification: Pathogenic for Polycystic kidney disease, adult type. Review status: criteria provided, single submitter. Criteria: ACMG Guidelines, 2015. Collection method: clinical testing. Allele origin: germline. Affected: yes.
Comment: Null variant in a gene where loss of function (LOF) is a known mechanism of disease.;Absent from controls (or at extremely low frequency if recessive) in Genome Aggregation Database, Exome Sequencing Project, 1000 Genomes Project, or Exome Aggregation Consortium.;The prevalence of the variant in affected individuals is significantly increased compared to the prevalence in controls.;Patient's phenotype or family history is highly specific for a disease with a single genetic etiology.

Literature cited by the submitters: PubMed 29529603 (cited by 3 submitters); PubMed 11115377 (cited by Genetics Department, Catlab and Athena Diagnostics); PubMed 12842373 (cited by Genetics Department, Catlab and Athena Diagnostics).